The following is an entry in ClinVar:

ClinVar aggregate classification (germline): Uncertain significance. Review status: criteria provided, multiple submitters, no conflicts (2 of 4 stars). 4 submissions from 4 submitters: Uncertain significance (4). Last evaluated 2024-07-16.

Conditions:
Cardiovascular phenotype. Identifiers: MedGen CN230736.
Dilated cardiomyopathy 1W (CMD1W). Identifiers: Orphanet 154, MedGen C1969639, MONDO:0012667, OMIM 611407.
Hypertrophic cardiomyopathy 15. Identifiers: MedGen C2750459, MONDO:0013200, OMIM 613255.
Cardiomyopathy (CMYO). Also called: Cardiomyopathies. Identifiers: Orphanet 167848, MedGen C0878544, MONDO:0004994, HP:0001638. Inheritance: Various modes of inheritance.

gnomAD v4.1: 7 of 1,612,588 alleles (0.00043%); highest among the groups gnomAD compares: South Asian, 0.0011%; no homozygotes.

Submissions (4):

Revvity Omics, Revvity
Classification: Uncertain significance. Last evaluated: 2024-07-16. Review status: criteria provided, single submitter. Criteria: ACMG Guidelines, 2015. Collection method: clinical testing. Allele origin: germline.

Ambry Genetics
Classification: Uncertain significance for Cardiovascular phenotype. Last evaluated: 2022-01-12. Review status: criteria provided, single submitter. Criteria: Ambry Variant Classification Scheme 2023. Collection method: clinical testing. Allele origin: germline.
Comment: The p.A803T variant (also known as c.2407G>A), located in coding exon 16 of the VCL gene, results from a G to A substitution at nucleotide position 2407. The alanine at codon 803 is replaced by threonine, an amino acid with similar properties. This amino acid position is conserved. In addition, the in silico prediction for this alteration is inconclusive. Since supporting evidence is limited at this time, the clinical significance of this alteration remains unclear.

Fulgent Genetics
Classification: Uncertain significance for Dilated cardiomyopathy 1W; Hypertrophic cardiomyopathy 15. Last evaluated: 2021-08-19. Review status: criteria provided, single submitter. Criteria: ACMG Guidelines, 2015. Collection method: clinical testing. Allele origin: unknown.

CHEO Genetics Diagnostic Laboratory, Children's Hospital of Eastern Ontario
Classification: Uncertain significance for Cardiomyopathy. Last evaluated: 2018-08-02. Review status: criteria provided, single submitter. Criteria: ACMG Guidelines, 2015. Collection method: clinical testing. Allele origin: germline.

NM_014000.3(VCL):c.2407G>A (p.Ala803Thr)

Gene: VCL (vinculin; plus strand). Cytogenetic location: 10q22.2.
Variant type: single nucleotide variant.
Coding change: c.2407G>A on transcript NM_014000.3 (MANE Select); coding-DNA position 2407, G replaced by A.
Protein change: p.Ala803Thr; replaces alanine 803 with threonine.
Molecular consequence: missense variant.
Genome position (GRCh38, 1-based): chr10:74,105,326, G>A. VCF-style: chr10-74105326-G-A. GRCh37 (hg19) VCF-style: chr10-75865084-G-A.
Other names: c.2407G>A, p.Ala803Thr (NM_003373.4); short protein forms A803T.
Identifiers: ClinVar variation 915772 (VCV000915772.6), dbSNP rs754294941, ClinGen allele CA5563207.
Genomic context (GRCh38, chr10:74,105,326, plus strand): 5'-GTGAAAGCTGCCTCTGATGAATTGAGCAAAACCATCTCCCCGATGGTGATGGATGCAAAA[G>A]CTGTGGCTGGAAACATTTCCGACCCTGGTAAGCAATGCATGGCACTATGTCTCACCTCCA-3'
Protein context (NP_054706.1, residues 793-813): TISPMVMDAK[Ala803Thr]VAGNISDPGL